The following is an entry in ClinVar:

NM_032043.3(BRIP1):c.252G>A (p.Leu84=)

Gene: BRIP1 (BRCA1 interacting DNA helicase 1; minus strand). Cytogenetic location: 17q23.2.
Variant type: single nucleotide variant.
Coding change: c.252G>A on transcript NM_032043.3 (MANE Select); coding-DNA position 252, G replaced by A.
Protein change: p.Leu84=; no amino-acid change (leucine 84 retained).
Molecular consequence: synonymous variant.
Genome position (GRCh38, 1-based): chr17:61,857,185, C>T on the plus strand (G>A on the coding strand, the complement: BRIP1 is on the minus strand). VCF-style: chr17-61857185-C-T. GRCh37 (hg19) VCF-style: chr17-59934546-C-T.
Identifiers: ClinVar variation 3378705 (VCV003378705.2).

ClinVar aggregate classification (germline): Benign/Likely benign. Review status: criteria provided, multiple submitters, no conflicts (2 of 4 stars). 2 submissions from 2 submitters: Benign (1); Likely benign (1). Last evaluated 2026-03-30.

Conditions:
Familial cancer of breast. Also called: BREAST CANCER, FAMILIAL; Hereditary breast cancer; hereditary breast carcinoma. Identifiers: Orphanet 227535, MedGen C0346153, MONDO:0016419, OMIM 114480. Disease mechanism: loss of function.
Hereditary cancer-predisposing syndrome. Also called: Neoplastic Syndromes, Hereditary; Tumor predisposition; Hereditary Cancer Syndrome; Hereditary neoplastic syndrome. Identifiers: Orphanet 140162, MedGen C0027672, MeSH D009386, MONDO:0015356.

Submissions (2):

Ambry Genetics
Classification: Likely benign for Hereditary cancer-predisposing syndrome. Last evaluated: 2026-03-30. Review status: criteria provided, single submitter. Criteria: Ambry Variant Classification Scheme 2023. Collection method: clinical testing. Allele origin: germline.

Myriad Genetics, Inc.
Classification: Benign for Familial cancer of breast. Last evaluated: 2024-08-09. Review status: criteria provided, single submitter. Criteria: Myriad Autosomal Dominant, Autosomal Recessive and X-Linked Classification Criteria (2023). Collection method: clinical testing. Allele origin: unknown.
Comment: This variant is considered benign. This variant is a silent/synonymous amino acid change and it is not expected to impact splicing.